The following is an entry in ClinVar:

NM_002691.4(POLD1):c.2169C>T (p.Phe723=)

Gene: POLD1 (DNA polymerase delta 1, catalytic subunit; plus strand). Cytogenetic location: 19q13.33.
Variant type: single nucleotide variant.
Coding change: c.2169C>T on transcript NM_002691.4 (MANE Select); coding-DNA position 2169, C replaced by T.
Protein change: p.Phe723=; no amino-acid change (phenylalanine 723 retained).
Molecular consequence: synonymous variant. On other transcripts: non-coding transcript variant (1).
Genome position (GRCh38, 1-based): chr19:50,413,440, C>T. VCF-style: chr19-50413440-C-T. GRCh37 (hg19) VCF-style: chr19-50916697-C-T.
Other names: c.2169C>T, p.Phe723= (NM_001256849.1); c.2247C>T, p.Phe749= (NM_001308632.1).
Identifiers: ClinVar variation 384051 (VCV000384051.45), dbSNP rs753797045, ClinGen allele CA9596435.

ClinVar aggregate classification (germline): Likely benign. Review status: criteria provided, multiple submitters, no conflicts (2 of 4 stars). 6 submissions from 6 submitters: Likely benign (6). Last evaluated 2026-01-25.

Conditions:
Hereditary cancer-predisposing syndrome. Also called: Neoplastic Syndromes, Hereditary; Hereditary neoplastic syndrome; Tumor predisposition; Hereditary Cancer Syndrome. Identifiers: Orphanet 140162, MedGen C0027672, MeSH D009386, MONDO:0015356.
POLD1-related polyposis and colorectal cancer syndrome (CRCS10). Also called: Colorectal cancer 10; Colorectal cancer, susceptibility to, 10; COLORECTAL CANCER, SUSCEPTIBILITY TO, ON CHROMOSOME 19q. Identifiers: Orphanet 220460, MedGen C2675481, MONDO:0012953, OMIM 612591.

Allele frequency attached by ClinVar (database versions not stated): ExAC 0.00002; gnomAD exomes 0.00002 and 0.00003; TOPMed 0.00002; gnomAD 0.00003.
gnomAD v4.1: 40 of 1,612,890 alleles (0.0025%); highest among the groups gnomAD compares: East Asian, 0.0089%; no homozygotes.

Submissions (6):

Labcorp Genetics (formerly Invitae), Labcorp
Classification: Likely benign for POLD1-related polyposis and colorectal cancer syndrome. Last evaluated: 2026-01-25. Review status: criteria provided, single submitter. Criteria: Invitae Variant Classification Sherloc (09022015). Collection method: clinical testing. Allele origin: germline.

CeGaT Center for Human Genetics Tuebingen
Classification: Likely benign. Last evaluated: 2022-07-01. Review status: criteria provided, single submitter. Criteria: CeGaT Center For Human Genetics Tuebingen Variant Classification Criteria Version 2. Collection method: clinical testing. Allele origin: germline. Affected: yes. Observed: 1 variant allele.
Comment: POLD1: BP4, BP7

Blueprint Genetics
Classification: Likely benign. Last evaluated: 2022-03-29. Review status: criteria provided, single submitter. Criteria: ACMG Guidelines, 2015. Collection method: clinical testing. Allele origin: germline.

GeneDx
Classification: Likely benign. Last evaluated: 2019-06-18. Review status: criteria provided, single submitter. Criteria: GeneDx Variant Classification Process June 2021. Collection method: clinical testing. Allele origin: germline. Affected: yes.

Quest Diagnostics Nichols Institute San Juan Capistrano
Classification: Likely benign. Last evaluated: 2018-06-21. Review status: criteria provided, single submitter. Criteria: Quest Diagnostics criteria. Collection method: clinical testing. Allele origin: germline.

Ambry Genetics
Classification: Likely benign for Hereditary cancer-predisposing syndrome. Last evaluated: 2015-08-10. Review status: criteria provided, single submitter. Criteria: Ambry Variant Classification Scheme 2023. Collection method: clinical testing. Allele origin: germline.